The following is an entry in ClinVar:

NM_001709.5(BDNF):c.*9T>C

Genes: BDNF (brain derived neurotrophic factor; minus strand), BDNF-AS (BDNF antisense RNA; plus strand). Cytogenetic location: 11p14.1.
Variant type: single nucleotide variant.
Coding change: c.*9T>C on transcript NM_001709.5 (MANE Select); 9 bases downstream of the stop codon, T replaced by C.
Molecular consequence: 3 prime UTR variant.
Genome position (GRCh38, 1-based): chr11:27,657,812, A>G on the plus strand (T>C on the coding strand, the complement: BDNF is on the minus strand). VCF-style: chr11-27657812-A-G. GRCh37 (hg19) VCF-style: chr11-27679359-A-G.
Other names: c.*9T>C (NM_001143805.1, NM_001143806.1, NM_001143807.2 and 13 more transcripts).
Identifiers: ClinVar variation 3357467 (VCV003357467.1).
Genomic context (GRCh38, chr11:27,657,812, plus strand): 5'-CCTGTTATGTATATATACAAATAGATAATTTTTGTCTCAATATAATCTAATCTATACAAC[A>G]TAAATCCACTATCTTCCCCTTTTAATGGTCAATGTACATACACAAGAAGTGTCTATCCTT-3'

ClinVar aggregate classification (germline): Likely benign (0 of 4 stars; one submission).

Conditions:
BDNF-related disorder. Also called: BDNF-related condition.

gnomAD v4.1: 14 of 1,612,290 alleles (0.00087%); highest among the groups gnomAD compares: Admixed American, 0.018%; no homozygotes.

Submission:

PreventionGenetics, part of Exact Sciences
Classification: Likely benign for BDNF-related condition. Last evaluated: 2024-08-21. Review status: no assertion criteria provided. Collection method: clinical testing. Allele origin: germline.
Comment: This variant is classified as likely benign based on ACMG/AMP sequence variant interpretation guidelines (Richards et al. 2015 PMID: 25741868, with internal and published modifications).